The following is an entry in ClinVar:

NM_032608.7(MYO18B):c.107G>A (p.Gly36Asp)

Gene: MYO18B (myosin XVIIIB; plus strand). Cytogenetic location: 22q12.1.
Variant type: single nucleotide variant.
Coding change: c.107G>A on transcript NM_032608.7 (MANE Select); coding-DNA position 107, G replaced by A.
Protein change: p.Gly36Asp; replaces glycine 36 with aspartic acid.
Molecular consequence: missense variant.
Genome position (GRCh38, 1-based): chr22:25,763,298, G>A. VCF-style: chr22-25763298-G-A. GRCh37 (hg19) VCF-style: chr22-26159265-G-A.
Other names: c.107G>A, p.Gly36Asp (NM_001318245.2); short protein forms G36D.
Identifiers: ClinVar variation 1522973 (VCV001522973.4), dbSNP rs1474125306, ClinGen allele CA410999888.

ClinVar aggregate classification (germline): Uncertain significance (1 of 4 stars; one submission).

Submission:

Labcorp Genetics (formerly Invitae), Labcorp
Classification: Uncertain significance. Last evaluated: 2021-10-29. Review status: criteria provided, single submitter. Criteria: Invitae Variant Classification Sherloc (09022015). Collection method: clinical testing. Allele origin: germline.
Comment: This variant is present in population databases (no rsID available, gnomAD 0.007%). In summary, the available evidence is currently insufficient to determine the role of this variant in disease. Therefore, it has been classified as a Variant of Uncertain Significance. Algorithms developed to predict the effect of missense changes on protein structure and function are either unavailable or do not agree on the potential impact of this missense change (SIFT: "Not Available"; PolyPhen-2: "Probably Damaging"; Align-GVGD: "Not Available"). This variant has not been reported in the literature in individuals affected with MYO18B-related conditions. This sequence change replaces glycine, which is neutral and non-polar, with aspartic acid, which is acidic and polar, at codon 36 of the MYO18B protein (p.Gly36Asp).